The following is an entry in ClinVar:

NM_024675.4(PALB2):c.3512del (p.Leu1171fs)

Gene: PALB2 (partner and localizer of BRCA2; minus strand). Cytogenetic location: 16p12.2.
Variant type: Deletion.
Coding change: c.3512del on transcript NM_024675.4 (MANE Select); coding-DNA position 3512, one base deleted (T; older notation c.3512delT).
Protein change: p.Leu1171fs; shifts the reading frame from leucine 1171.
Molecular consequence: frameshift variant. On other transcripts: 3 prime UTR variant (5).
Genome position (GRCh38, 1-based): chr16:23,603,508, A deleted on the plus strand (T on the coding strand, the reverse complement: PALB2 is on the minus strand); the first of 3 consecutive A bases (chr16:23,603,508-23,603,510); deleting any one gives the same sequence. VCF-style (leftmost placement, unchanged base first): chr16-23603507-CA-C. GRCh37 (hg19) VCF-style: chr16-23614828-CA-C.
Other names: NM_024675.4:c.3510del; c.3512delT (NM_024675.3); c.3452del, p.Leu1151fs (NM_001407296.1); c.3440del, p.Leu1147fs (NM_001407297.1); c.3350del, p.Leu1117fs (NM_001407298.1); c.3275del, p.Leu1092fs (NM_001407299.1); c.3233del, p.Leu1078fs (NM_001407300.1); c.*147del (NM_001407301.1, NM_001407302.1, NM_001407310.1 and 2 more transcripts); and 5 more; short protein forms L1078fs, L1092fs, L1117fs, L1147fs, L1151fs, L1171fs, L349fs, L575fs.
Identifiers: ClinVar variation 2498118 (VCV002498118.3), dbSNP rs2506195603, ClinGen allele CA915941064.

ClinVar aggregate classification (germline): Uncertain significance. Review status: reviewed by expert panel (3 of 4 stars). 2 submissions from 2 submitters: Uncertain significance (1). 1 of the submissions does not count toward it. Last evaluated 2023-04-05.

Conditions:
Hereditary cancer-predisposing syndrome. Also called: Neoplastic Syndromes, Hereditary; Tumor predisposition; Hereditary Cancer Syndrome; Hereditary neoplastic syndrome. Identifiers: Orphanet 140162, MedGen C0027672, MeSH D009386, MONDO:0015356.
PALB2-related cancer predisposition. Identifiers: MedGen CN377761, MONDO:0700272.

Submissions (2):

ClinGen Hereditary Breast, Ovarian and Pancreatic Cancer Variant Curation Expert Panel, ClinGen
Classification: Uncertain significance for PALB2-related cancer predisposition. Last evaluated: 2023-04-05. Review status: reviewed by expert panel. Criteria: ClinGen HBOP VCEP ACMG Specifications PALB2 V1.0.0. Collection method: curation. Allele origin: germline. Inheritance: Autosomal dominant inheritance.
Comment: The c.3512del (p.Leu1171CysfsTer20) variant in PALB2 is a frameshift variant predicted to alter a region that is critical to protein function. The C-terminal end of the WD40 domain is substituted by an alternative extended sequence. The variant is absent in gnomAD v2.1.1 (PM2_Supporting). In summary, this variant meets criteria to be classified as a variant of uncertain significance for autosomal dominant hereditary breast and pancreatic cancer and autosomal recessive FANCN based on the ACMG/AMP criteria applied as specified by the HBOP VCEP. (PVS1_Strong, PM2_Supporting)

Ambry Genetics
Classification: Likely pathogenic for Hereditary cancer-predisposing syndrome. Last evaluated: 2026-05-12. Review status: criteria provided, single submitter. Criteria: Ambry Variant Classification Scheme 2023. Collection method: clinical testing. Allele origin: germline. Not counted in ClinVar's aggregate classification.
Comment: The c.3512delT variant, located in coding exon 13 of the PALB2 gene, results from a deletion of one nucleotide at nucleotide position 3512, causing a translational frameshift with a predicted alternate stop codon (p.L1171Cfs*20). This variant occurs at the 3' terminus of thegene, is not expected to trigger nonsense-mediated mRNAdecay and results in the elongation of the protein by 3 amino acids. This frameshift impacts the last 16amino acids of the native protein. However, frameshifts are typically deleterious in nature and the impacted region is critical for protein function (Ambry internal data). This variant is considered to be rare based on population cohorts in the Genome Aggregation Database (gnomAD). Based on the majority of available evidence to date, this variant is likely to be pathogenic.